The following is an entry in ClinVar:

ClinVar aggregate classification (germline): Uncertain significance (1 of 4 stars; one submission).

Allele frequency attached by ClinVar (database versions not stated): gnomAD exomes below 0.00001; TOPMed below 0.00001.
gnomAD v4.1: 2 of 1,614,210 alleles (0.00012%); highest among the groups gnomAD compares: Non-Finnish European, 0.00017%; no homozygotes.

Submission:

Labcorp Genetics (formerly Invitae), Labcorp
Classification: Uncertain significance. Last evaluated: 2023-08-17. Review status: criteria provided, single submitter. Criteria: Invitae Variant Classification Sherloc (09022015). Collection method: clinical testing. Allele origin: germline.
Comment: This sequence change replaces valine, which is neutral and non-polar, with leucine, which is neutral and non-polar, at codon 30 of the NARS2 protein (p.Val30Leu). This variant is not present in population databases (gnomAD no frequency). This variant has not been reported in the literature in individuals affected with NARS2-related conditions. ClinVar contains an entry for this variant (Variation ID: 2009728). An algorithm developed to predict the effect of missense changes on protein structure and function (PolyPhen-2) suggests that this variant is likely to be disruptive. In summary, the available evidence is currently insufficient to determine the role of this variant in disease. Therefore, it has been classified as a Variant of Uncertain Significance.

NM_024678.6(NARS2):c.88G>T (p.Val30Leu)

Gene: NARS2 (asparaginyl-tRNA synthetase 2, mitochondrial; minus strand). Cytogenetic location: 11q14.1.
Variant type: single nucleotide variant.
Coding change: c.88G>T on transcript NM_024678.6 (MANE Select); coding-DNA position 88, G replaced by T.
Protein change: p.Val30Leu; replaces valine 30 with leucine.
Molecular consequence: missense variant. On other transcripts: intron variant (1).
Genome position (GRCh38, 1-based): chr11:78,574,401, C>A on the plus strand (G>T on the coding strand, the complement: NARS2 is on the minus strand). VCF-style: chr11-78574401-C-A. GRCh37 (hg19) VCF-style: chr11-78285446-C-A.
Other names: c.-541+428G>T (NM_001243251.2); short protein forms V30L.
Identifiers: ClinVar variation 2009728 (VCV002009728.4), dbSNP rs1333548331, ClinGen allele CA382180727.